The following is an entry in ClinVar:

ClinVar aggregate classification (germline): Uncertain significance (1 of 4 stars; one submission).

gnomAD v4.1: 4 of 1,614,092 alleles (0.00025%); highest among the groups gnomAD compares: South Asian, 0.0022%; no homozygotes.

Submission:

Labcorp Genetics (formerly Invitae), Labcorp
Classification: Uncertain significance. Last evaluated: 2022-03-20. Review status: criteria provided, single submitter. Criteria: Invitae Variant Classification Sherloc (09022015). Collection method: clinical testing. Allele origin: germline.
Comment: This sequence change replaces glycine, which is neutral and non-polar, with arginine, which is basic and polar, at codon 163 of the TUBGCP4 protein (p.Gly163Arg). In summary, the available evidence is currently insufficient to determine the role of this variant in disease. Therefore, it has been classified as a Variant of Uncertain Significance. Algorithms developed to predict the effect of missense changes on protein structure and function are either unavailable or do not agree on the potential impact of this missense change (SIFT: "Tolerated"; PolyPhen-2: "Possibly Damaging"; Align-GVGD: "Class C0"). This variant has not been reported in the literature in individuals affected with TUBGCP4-related conditions. This variant is present in population databases (rs771153821, gnomAD 0.0009%).

NM_014444.5(TUBGCP4):c.487G>A (p.Gly163Arg)

Gene: TUBGCP4 (tubulin gamma complex component 4; plus strand). Cytogenetic location: 15q15.3.
Variant type: single nucleotide variant.
Coding change: c.487G>A on transcript NM_014444.5 (MANE Select); coding-DNA position 487, G replaced by A.
Protein change: p.Gly163Arg; replaces glycine 163 with arginine.
Molecular consequence: missense variant.
Genome position (GRCh38, 1-based): chr15:43,380,129, G>A. VCF-style: chr15-43380129-G-A. GRCh37 (hg19) VCF-style: chr15-43672327-G-A.
Other names: c.487G>A, p.Gly163Arg (NM_001286414.3); short protein forms G163R.
Identifiers: ClinVar variation 1973048 (VCV001973048.5), dbSNP rs771153821, ClinGen allele CA7523796.
Genomic context (GRCh38, chr15:43,380,129, plus strand): 5'-CCGTATTTTCCACAGATTCATGGTTGTCAAATCCTGGAAACAGTCTACAAACACAGCTGT[G>A]GGGGGTTGCCTCCTGTTCGAAGTGCACTGGAAAAGTAAGTCATGGCTTAACTGGGAATTG-3'
Protein context (NP_055259.2, residues 153-173): ILETVYKHSC[Gly163Arg]GLPPVRSALE